The following is an entry in ClinVar:

ClinVar aggregate classification (germline): Uncertain significance. Review status: criteria provided, multiple submitters, no conflicts (2 of 4 stars). 2 submissions from 2 submitters: Uncertain significance (2). Last evaluated 2024-03-09.

Conditions:
Colorectal cancer, hereditary nonpolyposis, type 7. Identifiers: Orphanet 144, MedGen C1858380, MONDO:0013725, OMIM 614385.

Allele frequency attached by ClinVar (database versions not stated): gnomAD exomes below 0.00001; ExAC 0.00001; gnomAD 0.00002; TOPMed 0.00002; ESP Exome Variant Server 0.00008.
gnomAD v4.1: 5 of 1,613,496 alleles (0.00031%); highest among the groups gnomAD compares: African/African-American, 0.0027%; no homozygotes.

Submissions (2):

Ambry Genetics
Classification: Uncertain significance. Last evaluated: 2024-03-09. Review status: criteria provided, single submitter. Criteria: Ambry Variant Classification Scheme 2023. Collection method: clinical testing. Allele origin: germline.
Comment: The p.K229I variant (also known as c.686A>T), located in coding exon 1 of the MLH3 gene, results from an A to T substitution at nucleotide position 686. The lysine at codon 229 is replaced by isoleucine, an amino acid with dissimilar properties. This amino acid position is conserved. In addition, the in silico prediction for this alteration is inconclusive. Since supporting evidence is limited at this time, the clinical significance of this alteration remains unclear.

Labcorp Genetics (formerly Invitae), Labcorp
Classification: Uncertain significance for Colorectal cancer, hereditary nonpolyposis, type 7. Last evaluated: 2024-03-02. Review status: criteria provided, single submitter. Criteria: Invitae Variant Classification Sherloc (09022015). Collection method: clinical testing. Allele origin: germline.
Comment: This sequence change replaces lysine, which is basic and polar, with isoleucine, which is neutral and non-polar, at codon 229 of the MLH3 protein (p.Lys229Ile). This variant is not present in population databases (gnomAD no frequency). This variant has not been reported in the literature in individuals affected with MLH3-related conditions. ClinVar contains an entry for this variant (Variation ID: 1755876). An algorithm developed to predict the effect of missense changes on protein structure and function (PolyPhen-2) suggests that this variant is likely to be tolerated. In summary, the available evidence is currently insufficient to determine the role of this variant in disease. Therefore, it has been classified as a Variant of Uncertain Significance.

NM_001040108.2(MLH3):c.686A>T (p.Lys229Ile)

Gene: MLH3 (mutL homolog 3; minus strand). Cytogenetic location: 14q24.3.
Variant type: single nucleotide variant.
Coding change: c.686A>T on transcript NM_001040108.2 (MANE Select); coding-DNA position 686, A replaced by T.
Protein change: p.Lys229Ile; replaces lysine 229 with isoleucine.
Molecular consequence: missense variant.
Genome position (GRCh38, 1-based): chr14:75,048,970, T>A on the plus strand (A>T on the coding strand, the complement: MLH3 is on the minus strand). VCF-style: chr14-75048970-T-A. GRCh37 (hg19) VCF-style: chr14-75515673-T-A.
Other names: c.686A>T, p.Lys229Ile (NM_014381.3); short protein forms K229I.
Identifiers: ClinVar variation 1755876 (VCV001755876.4), dbSNP rs371890866, ClinGen allele CA7275984.